The following is an entry in ClinVar:

ClinVar aggregate classification (germline): Conflicting classifications of pathogenicity. Review status: criteria provided, conflicting classifications (1 of 4 stars). 6 submissions from 6 submitters: Uncertain significance (3); Likely benign (3). Last evaluated 2026-05-05.

Conditions:
Hereditary cancer-predisposing syndrome. Also called: Neoplastic Syndromes, Hereditary; Hereditary Cancer Syndrome; Tumor predisposition; Hereditary neoplastic syndrome. Identifiers: Orphanet 140162, MedGen C0027672, MeSH D009386, MONDO:0015356.
Hereditary breast ovarian cancer syndrome. Also called: BRCA1- and BRCA2-Associated Hereditary Breast and Ovarian Cancer; Hereditary breast and ovarian cancer syndrome (HBOC); Hereditary breast and ovarian cancer syndrome; Hereditary breast and ovarian cancer; Hereditary breast and/or ovarian cancer syndrome; Breast and ovarian cancer. Identifiers: Orphanet 145, MedGen C0677776, MeSH D061325, MONDO:0003582. Disease mechanism: loss of function.
Breast-ovarian cancer, familial, susceptibility to, 1 (BROVCA1). Also called: OVARIAN CANCER, SUSCEPTIBILITY TO; BRCA1 Hereditary Breast and Ovarian Cancer. Identifiers: Orphanet 145, MedGen C2676676, MONDO:0011450, OMIM 604370. Disease mechanism: loss of function.

Allele frequency attached by ClinVar (database versions not stated): gnomAD exomes below 0.00001; TOPMed below 0.00001.
gnomAD v4.1: 1 of 1,613,214 alleles (0.000062%); highest among the groups gnomAD compares: Non-Finnish European, 0.000085%; no homozygotes.

Submissions (7):

German Consortium for Hereditary Breast and Ovarian Cancer, University Hospital Cologne
Classification: Likely benign for Hereditary breast ovarian cancer syndrome. Last evaluated: 2026-05-05. Review status: criteria provided, single submitter. Criteria: ClinGen BRCA1 1.2.0. Collection method: curation. Allele origin: germline.
Comment: This classification follows the ClinGen ENIGMA BRCA1 v1.2.0 classification scheme; We chose these criteria: PM2 (supporting pathogenic): absent from gnomAD v.2.1 non-cancer, exomes only + gnomAD v.3.1 non-cancer (1x in gnomAD v.4.1), BP4 (supporting benign): Missense variant inside a (potentially) clinically important functional domain, and no predicted impact via protein change or splicing: BayesDel (no AF) = -0.0100755 (thus < 0.15) & SpliceAI < 0.1), BS3 (strong benign): Reported by one calibrated study to exhibit protein function similar to benign control variants (PMID:30209399) (BS3 met).

Labcorp Genetics (formerly Invitae), Labcorp
Classification: Uncertain significance for Hereditary breast ovarian cancer syndrome. Last evaluated: 2026-01-18. Review status: criteria provided, single submitter. Criteria: Invitae Variant Classification Sherloc (09022015). Collection method: clinical testing. Allele origin: germline.
Comment: This sequence change replaces serine, which is neutral and polar, with proline, which is neutral and non-polar, at codon 4 of the BRCA1 protein (p.Ser4Pro). This variant is not present in population databases (gnomAD no frequency). This missense change has been observed in individual(s) with breast cancer (PMID: 27616075). ClinVar contains an entry for this variant (Variation ID: 230684). Invitae Evidence Modeling incorporating data from in vitro experimental studies (PMID: 30209399) indicates that this missense variant is not expected to disrupt BRCA1 function with a negative predictive value of 95%. Experimental studies have shown that this missense change does not substantially affect BRCA1 function (PMID: 30209399). In summary, the available evidence is currently insufficient to determine the role of this variant in disease. Therefore, it has been classified as a Variant of Uncertain Significance.

Color Diagnostics, LLC DBA Color Health
Classification: Uncertain significance for Hereditary cancer-predisposing syndrome. Last evaluated: 2024-11-04. Review status: criteria provided, single submitter. Criteria: ACMG Guidelines, 2015. Collection method: clinical testing. Allele origin: germline.
Comment: This missense variant replaces serine with proline at codon 4 of the BRCA1 protein. Functional studies have reported the this variant is functionally normal in a haploid cell proliferation assay and in a ubiquitin E3 ligase assay, and it has intermediate activity in a BARD1-binding yeast two-hybrid assay (PMID: 25823446, 30209399). A multifactorial analysis has reported a combined likelihood ratios for pathogenicity of 0.507983 based on segregation and tumor pathology (PMID: 31131967). This variant has not been identified in the general population by the Genome Aggregation Database (gnomAD). The available evidence is insufficient to determine the role of this variant in disease conclusively. Therefore, this variant is classified as a Variant of Uncertain Significance.

All of Us Research Program, National Institutes of Health
Classification: Uncertain significance for Breast-ovarian cancer, familial, susceptibility to, 1. Last evaluated: 2023-03-04. Review status: criteria provided, single submitter. Criteria: ACMG Guidelines, 2015. Collection method: clinical testing. Allele origin: germline. Inheritance: Autosomal dominant inheritance. Observed: 1 variant allele, 1 heterozygote.
Comment: This study involves interpretation of variants in research participants for the purpose of population health screening. Participant phenotype was not available at the time of variant classification. Additional details can be found in publication PMID: 35346344, PMCID: PMC8962531

CeGaT Center for Human Genetics Tuebingen
Classification: Likely benign. Last evaluated: 2023-02-01. Review status: criteria provided, single submitter. Criteria: CeGaT Center For Human Genetics Tuebingen Variant Classification Criteria Version 2. Collection method: clinical testing. Allele origin: germline. Affected: yes. Observed: 1 variant allele.
Comment: BRCA1: PM2, BP1, BP4, BS3:Supporting

Ambry Genetics
Classification: Likely benign for Hereditary cancer-predisposing syndrome. Last evaluated: 2019-05-04. Review status: criteria provided, single submitter. Criteria: Ambry Variant Classification Scheme 2023. Collection method: clinical testing. Allele origin: germline.

Brotman Baty Institute, University of Washington
No classification provided (evidence only). Condition: Breast-ovarian cancer, familial 1. Review status: no classification provided. Collection method: in vitro. Allele origin: not applicable. Functional consequence: functionally_normal. Not counted in ClinVar's aggregate classification.
ClinVar note: "not provided" was previously submitted as the classification for the variant. However, the classification appeared to be based only on an observation of functional data so it was converted to no classification on 2025-07-30.

Literature cited by the submitters: PubMed 27616075 (cited by Labcorp Genetics (formerly Invitae), Labcorp); PubMed 30209399 (cited by Labcorp Genetics (formerly Invitae), Labcorp and Color Diagnostics, LLC DBA Color Health); PubMed 25823446 (cited by Color Diagnostics, LLC DBA Color Health and Ambry Genetics); PubMed 31131967 (cited by Color Diagnostics, LLC DBA Color Health); PubMed 16403807 (cited by Ambry Genetics).

NM_007294.4(BRCA1):c.10T>C (p.Ser4Pro)

Gene: BRCA1 (BRCA1 DNA repair associated; minus strand). Cytogenetic location: 17q21.31.
Variant type: single nucleotide variant.
Coding change: c.10T>C on transcript NM_007294.4 (MANE Select); coding-DNA position 10, T replaced by C.
Protein change: p.Ser4Pro; replaces serine 4 with proline.
Molecular consequence: missense variant. On other transcripts: 5 prime UTR variant (1), non-coding transcript variant (1).
Genome position (GRCh38, 1-based): chr17:43,124,087, A>G on the plus strand (T>C on the coding strand, the complement: BRCA1 is on the minus strand). VCF-style: chr17-43124087-A-G. GRCh37 (hg19) VCF-style: chr17-41276104-A-G.
Other names: c.10T>C, p.Ser4Pro (NM_001407631.1, NM_001407632.1, NM_001407633.1 and 193 more transcripts); c.-248T>C (NM_001407694.1, NM_001407724.1, NM_001407727.1 and 11 more transcripts); c.-252T>C (NM_001407695.1, NM_001408465.1); c.-393T>C (NM_001407696.1); c.-277T>C (NM_001407697.1, NM_001407846.1, NM_001407920.1); c.-78T>C (NM_001407698.1, NM_001407732.1, NM_001407736.1 and 23 more transcripts); c.-251T>C (NM_001407725.1, NM_001407730.1, NM_001407734.1 and 22 more transcripts); c.-197T>C (NM_001407726.1, NM_001407751.1); and 8 more; short protein forms S4P.
Identifiers: ClinVar variation 230684 (VCV000230684.47), dbSNP rs876658707, ClinGen allele CA10580715.